The following is an entry in ClinVar:

NM_001364905.1(LRBA):c.7339A>G (p.Ile2447Val)

Gene: LRBA (LPS responsive beige-like anchor protein; minus strand). Cytogenetic location: 4q31.3.
Variant type: single nucleotide variant.
Coding change: c.7339A>G on transcript NM_001364905.1 (MANE Select); coding-DNA position 7339, A replaced by G.
Protein change: p.Ile2447Val; replaces isoleucine 2447 with valine.
Molecular consequence: missense variant.
Genome position (GRCh38, 1-based): chr4:150,350,015, T>C on the plus strand (A>G on the coding strand, the complement: LRBA is on the minus strand). VCF-style: chr4-150350015-T-C. GRCh37 (hg19) VCF-style: chr4-151271167-T-C.
Other names: p.Ile2458Val; c.7339A>G, p.Ile2447Val (NM_001199282.3, NM_001367550.1); c.7372A>G, p.Ile2458Val (NM_006726.5); short protein forms I2458V, I2447V.
Identifiers: ClinVar variation 962034 (VCV000962034.8), dbSNP rs754778401, ClinGen allele CA3101683.

ClinVar aggregate classification (germline): Uncertain significance. Review status: criteria provided, multiple submitters, no conflicts (2 of 4 stars). 3 submissions from 3 submitters: Uncertain significance (3). Last evaluated 2024-11-04.

Conditions:
Combined immunodeficiency due to LRBA deficiency. Also called: Common variable immunodeficiency 8, with autoimmunity. Identifiers: Orphanet 445018, MedGen C3553512, MONDO:0013863, OMIM 614700.
Inborn genetic diseases. Identifiers: MedGen C0950123, MeSH D030342.

Allele frequency attached by ClinVar (database versions not stated): gnomAD 0.00001; gnomAD exomes 0.00001 and 0.00005; ExAC 0.00004; TOPMed 0.00006.
gnomAD v4.1: 23 of 1,613,660 alleles (0.0014%); highest among the groups gnomAD compares: Admixed American, 0.023%; no homozygotes.

Submissions (3):

Labcorp Genetics (formerly Invitae), Labcorp
Classification: Uncertain significance for Combined immunodeficiency due to LRBA deficiency. Last evaluated: 2024-11-04. Review status: criteria provided, single submitter. Criteria: Invitae Variant Classification Sherloc (09022015). Collection method: clinical testing. Allele origin: germline.
Comment: This sequence change replaces isoleucine, which is neutral and non-polar, with valine, which is neutral and non-polar, at codon 2458 of the LRBA protein (p.Ile2458Val). This variant is present in population databases (rs754778401, gnomAD 0.03%). This variant has not been reported in the literature in individuals affected with LRBA-related conditions. ClinVar contains an entry for this variant (Variation ID: 962034). Invitae Evidence Modeling of protein sequence and biophysical properties (such as structural, functional, and spatial information, amino acid conservation, physicochemical variation, residue mobility, and thermodynamic stability) indicates that this missense variant is not expected to disrupt LRBA protein function with a negative predictive value of 80%. In summary, the available evidence is currently insufficient to determine the role of this variant in disease. Therefore, it has been classified as a Variant of Uncertain Significance.

Ambry Genetics
Classification: Uncertain significance for Inborn genetic diseases. Last evaluated: 2024-02-27. Review status: criteria provided, single submitter. Criteria: Ambry Variant Classification Scheme 2023. Collection method: clinical testing. Allele origin: germline.

Mayo Clinic Laboratories, Mayo Clinic
Classification: Uncertain significance. Last evaluated: 2022-12-23. Review status: criteria provided, single submitter. Criteria: ACMG Guidelines, 2015. Collection method: clinical testing. Allele origin: germline. Observed: 1 variant allele.
Comment: BP4_stand-alone